The following is an entry in ClinVar:

ClinVar aggregate classification (germline): Uncertain significance. Review status: criteria provided, multiple submitters, no conflicts (2 of 4 stars). 2 submissions from 2 submitters: Uncertain significance (2). Last evaluated 2026-06-21.

Conditions:
MARS1-related disorder. Also called: MARS1-related condition.
Severe early-onset pulmonary alveolar proteinosis due to MARS deficiency. Also called: PULMONARY ALVEOLAR PROTEINOSIS, REUNION ISLAND; Interstitial lung and liver disease. Identifiers: Orphanet 440427, MedGen C4225400, MONDO:0014206, OMIM 615486.
Charcot-Marie-Tooth disease axonal type 2U. Also called: CHARCOT-MARIE-TOOTH NEUROPATHY, TYPE 2U; CHARCOT-MARIE-TOOTH DISEASE, AXONAL, AUTOSOMAL DOMINANT, TYPE 2U. Identifiers: Orphanet 397735, MedGen C4084821, MONDO:0014566, OMIM 616280.

Allele frequency attached by ClinVar (database versions not stated): TOPMed 0.00001; gnomAD 0.00002; ExAC 0.00001; gnomAD exomes 0.00001.
gnomAD v4.1: 19 of 1,613,996 alleles (0.0012%); highest among the groups gnomAD compares: Non-Finnish European, 0.0015%; no homozygotes.

Submissions (2):

PreventionGenetics, part of Exact Sciences
Classification: Uncertain significance for MARS1-related condition. Last evaluated: 2026-06-21. Review status: criteria provided, single submitter. Criteria: ACMG Guidelines, 2015. Collection method: clinical testing. Allele origin: germline.
Comment: The MARS1 c.2170C>T variant is predicted to result in the amino acid substitution p.Pro724Ser. To our knowledge, this variant has not been reported in the literature. This variant is reported in 0.0026% of alleles in individuals of European (non-Finnish) descent in gnomAD. At this time, the clinical significance of this variant is uncertain due to the absence of conclusive functional and genetic evidence.

Labcorp Genetics (formerly Invitae), Labcorp
Classification: Uncertain significance for Charcot-Marie-Tooth disease axonal type 2U; Severe early-onset pulmonary alveolar proteinosis due to MARS deficiency. Last evaluated: 2024-05-13. Review status: criteria provided, single submitter. Criteria: Invitae Variant Classification Sherloc (09022015). Collection method: clinical testing. Allele origin: germline.
Comment: This sequence change replaces proline, which is neutral and non-polar, with serine, which is neutral and polar, at codon 724 of the MARS protein (p.Pro724Ser). This variant is present in population databases (rs770756933, gnomAD 0.003%). This variant has not been reported in the literature in individuals affected with MARS-related conditions. ClinVar contains an entry for this variant (Variation ID: 641147). An algorithm developed to predict the effect of missense changes on protein structure and function (PolyPhen-2) suggests that this variant is likely to be disruptive. In summary, the available evidence is currently insufficient to determine the role of this variant in disease. Therefore, it has been classified as a Variant of Uncertain Significance.

NM_004990.4(MARS1):c.2170C>T (p.Pro724Ser)

Gene: MARS1 (methionyl-tRNA synthetase 1; plus strand). Cytogenetic location: 12q13.3.
Variant type: single nucleotide variant.
Coding change: c.2170C>T on transcript NM_004990.4 (MANE Select); coding-DNA position 2170, C replaced by T.
Protein change: p.Pro724Ser; replaces proline 724 with serine.
Molecular consequence: missense variant.
Genome position (GRCh38, 1-based): chr12:57,515,024, C>T. VCF-style: chr12-57515024-C-T. GRCh37 (hg19) VCF-style: chr12-57908807-C-T.
Other names: short protein forms P724S.
Identifiers: ClinVar variation 641147 (VCV000641147.8), dbSNP rs770756933, ClinGen allele CA6650725.